The following is an entry in ClinVar:

NM_001164586.2(IGFN1):c.5493G>C (p.Gly1831=)

Gene: IGFN1 (immunoglobulin like and fibronectin type III domain containing 1; plus strand). Cytogenetic location: 1q32.1.
Variant type: single nucleotide variant.
Coding change: c.5493G>C on transcript NM_001164586.2 (MANE Select); coding-DNA position 5493, G replaced by C.
Protein change: p.Gly1831=; no amino-acid change (glycine 1831 retained).
Molecular consequence: synonymous variant. On other transcripts: intron variant (1).
Genome position (GRCh38, 1-based): chr1:201,210,386, G>C. VCF-style: chr1-201210386-G-C. GRCh37 (hg19) VCF-style: chr1-201179514-G-C.
Other names: c.1242-3120G>C (NM_001367841.1).
Identifiers: ClinVar variation 2639757 (VCV002639757.24), dbSNP rs1164331357, ClinGen allele CA422818550.
Genomic context (GRCh38, chr1:201,210,386, plus strand): 5'-GTCAGTGAATGAGGCAGGTTATAGGAAGGATTTGGGGGCTCCTGAGGGAATGGGTTCAGG[G>C]AGTAAGGCAGGTTTCAGGGATGGTTTAGGGGGTTCTGGAGAAATGGGGTCAGTGAATGAA-3'
Protein context (NP_001158058.1, residues 1821-1841): DLGAPEGMGS[Gly1831=]SKAGFRDGLG

ClinVar aggregate classification (germline): Likely benign (1 of 4 stars; one submission).

Allele frequency attached by ClinVar (database versions not stated): 1000 Genomes Project 30x 0.00265.

Submission:

CeGaT Center for Human Genetics Tuebingen
Classification: Likely benign. Last evaluated: 2024-06-01. Review status: criteria provided, single submitter. Criteria: CeGaT Center For Human Genetics Tuebingen Variant Classification Criteria Version 2. Collection method: clinical testing. Allele origin: germline. Affected: yes. Observed: 3 variant alleles.
Comment: IGFN1: BP4, BP7